The following is an entry in ClinVar:

ClinVar aggregate classification (germline): Uncertain significance. Review status: criteria provided, multiple submitters, no conflicts (2 of 4 stars). 2 submissions from 2 submitters: Uncertain significance (2). Last evaluated 2022-07-23.

gnomAD v4.1: 7 of 1,613,532 alleles (0.00043%); highest among the groups gnomAD compares: Non-Finnish European, 0.00051%; no homozygotes.

Submissions (2):

Labcorp Genetics (formerly Invitae), Labcorp
Classification: Uncertain significance. Last evaluated: 2022-07-23. Review status: criteria provided, single submitter. Criteria: Invitae Variant Classification Sherloc (09022015). Collection method: clinical testing. Allele origin: germline.
Comment: ClinVar contains an entry for this variant (Variation ID: 497021). In summary, the available evidence is currently insufficient to determine the role of this variant in disease. Therefore, it has been classified as a Variant of Uncertain Significance. Variants that disrupt the consensus splice site are a relatively common cause of aberrant splicing (PMID: 17576681, 9536098). Algorithms developed to predict the effect of sequence changes on RNA splicing suggest that this variant may disrupt the consensus splice site. This variant has not been reported in the literature in individuals affected with COQ8A-related conditions. This variant is not present in population databases (gnomAD no frequency). This sequence change falls in intron 4 of the COQ8A gene. It does not directly change the encoded amino acid sequence of the COQ8A protein. It affects a nucleotide within the consensus splice site.

Eurofins Ntd Llc (ga)
Classification: Uncertain significance. Last evaluated: 2016-10-05. Review status: criteria provided, single submitter. Criteria: EGL Classification Definitions 2015. Collection method: clinical testing. Allele origin: germline. Observed: 1 variant allele, 1 heterozygote.

Literature cited by the submitters: PubMed 17576681 (cited by Labcorp Genetics (formerly Invitae), Labcorp); PubMed 9536098 (cited by Labcorp Genetics (formerly Invitae), Labcorp).

NM_020247.5(COQ8A):c.655+3A>C

Gene: COQ8A (coenzyme Q8A; plus strand). Cytogenetic location: 1q42.13.
Variant type: single nucleotide variant.
Coding change: c.655+3A>C on transcript NM_020247.5 (MANE Select); 3 bases into the intron after coding-DNA position 655, A replaced by C.
Molecular consequence: intron variant.
Genome position (GRCh38, 1-based): chr1:226,965,740, A>C. VCF-style: chr1-226965740-A-C. GRCh37 (hg19) VCF-style: chr1-227153441-A-C.
Identifiers: ClinVar variation 497021 (VCV000497021.10), dbSNP rs1553277145, ClinGen allele CA658795614.